The following is an entry in ClinVar:

ClinVar aggregate classification (germline): Uncertain significance (1 of 4 stars; one submission).

Conditions:
Hereditary cancer-predisposing syndrome. Also called: Hereditary Cancer Syndrome; Hereditary neoplastic syndrome; Tumor predisposition; Neoplastic Syndromes, Hereditary. Identifiers: Orphanet 140162, MedGen C0027672, MeSH D009386, MONDO:0015356.

Submission:

Ambry Genetics
Classification: Uncertain significance for Hereditary cancer-predisposing syndrome. Last evaluated: 2021-10-03. Review status: criteria provided, single submitter. Criteria: Ambry Variant Classification Scheme 2023. Collection method: clinical testing. Allele origin: germline.
Comment: The p.R831S variant (also known as c.2493A>T) is located in coding exon 17 of the BRIP1 gene. The arginine at codon 831 is replaced by serine, an amino acid with dissimilar properties. This change occurs in the first base pair of coding exon 17. This amino acid position is conserved. In addition, this alteration is predicted to be deleterious by in silico analysis. Since supporting evidence is limited at this time, the clinical significance of this alteration remains unclear.

NM_032043.3(BRIP1):c.2493A>T (p.Arg831Ser)

Gene: BRIP1 (BRCA1 interacting DNA helicase 1; minus strand). Cytogenetic location: 17q23.2.
Variant type: single nucleotide variant.
Coding change: c.2493A>T on transcript NM_032043.3 (MANE Select); coding-DNA position 2493, A replaced by T.
Protein change: p.Arg831Ser; replaces arginine 831 with serine.
Molecular consequence: missense variant.
Genome position (GRCh38, 1-based): chr17:61,693,512, T>A on the plus strand (A>T on the coding strand, the complement: BRIP1 is on the minus strand). VCF-style: chr17-61693512-T-A. GRCh37 (hg19) VCF-style: chr17-59770873-T-A.
Other names: short protein forms R831S.
Identifiers: ClinVar variation 1792098 (VCV001792098.2), dbSNP rs2544605151, ClinGen allele CA400482507.